The following is an entry in ClinVar:

NM_002180.3(IGHMBP2):c.*744G>A

Gene: IGHMBP2 (immunoglobulin mu DNA binding protein 2; plus strand). Cytogenetic location: 11q13.3.
Variant type: single nucleotide variant.
Coding change: c.*744G>A on transcript NM_002180.3 (MANE Select); 744 bases downstream of the stop codon, G replaced by A.
Molecular consequence: 3 prime UTR variant.
Genome position (GRCh38, 1-based): chr11:68,940,475, G>A. VCF-style: chr11-68940475-G-A. GRCh37 (hg19) VCF-style: chr11-68707943-G-A.
Identifiers: ClinVar variation 305879 (VCV000305879.5), dbSNP rs116625875, ClinGen allele CA10635565.

ClinVar aggregate classification (germline): Benign (1 of 4 stars; one submission).

Conditions:
Autosomal recessive distal spinal muscular atrophy 1. Also called: HMN VI; NEURONOPATHY, SEVERE INFANTILE AXONAL, WITH RESPIRATORY FAILURE; SEVERE INFANTILE AXONAL NEUROPATHY WITH RESPIRATORY FAILURE; SPINAL MUSCULAR ATROPHY, DIAPHRAGMATIC; Spinal muscular atrophy with respiratory distress 1; NEURONOPATHY, DISTAL HEREDITARY MOTOR, HARDING TYPE VI. Identifiers: Orphanet 98920, MedGen C1858517, MONDO:0011436, OMIM 604320.

Allele frequency attached by ClinVar (database versions not stated): gnomAD 0.00638 and 0.00591; TOPMed 0.00653; 1000 Genomes Project 0.01478; 1000 Genomes Project 30x 0.01499.

Submission:

Illumina Laboratory Services, Illumina
Classification: Benign for Autosomal recessive distal spinal muscular atrophy 1. Last evaluated: 2018-01-12. Review status: criteria provided, single submitter. Criteria: ICSL Variant Classification Criteria 13 December 2019. Collection method: clinical testing. Allele origin: germline.
Comment: This variant was observed in the ICSL laboratory as part of a predisposition screen in an ostensibly healthy population. It had not been previously curated by ICSL or reported in the Human Gene Mutation Database (HGMD: prior to June 1st, 2018), and was therefore a candidate for classification through an automated scoring system. Utilizing variant allele frequency, disease prevalence and penetrance estimates, and inheritance mode, an automated score was calculated to assess if this variant is too frequent to cause the disease. Based on the score and internal cut-off values, a variant classified as benign is not then subjected to further curation. The score for this variant resulted in a classification of benign for this disease.